The following is an entry in ClinVar:

ClinVar aggregate classification (germline): Uncertain significance. Review status: criteria provided, multiple submitters, no conflicts (2 of 4 stars). 7 submissions from 2 submitters: Uncertain significance (7). Last evaluated 2022-02-20.

Conditions:
Patterned macular dystrophy 1. Also called: BUTTERFLY DYSTROPHY OF RETINAL PIGMENT EPITHELIUM; MACULAR DYSTROPHY, BUTTERFLY-SHAPED PIGMENTARY. Identifiers: Orphanet 99001, MedGen C4551999, MONDO:0008210, OMIM 169150.
Retinitis pigmentosa (RP). Identifiers: Orphanet 791, MedGen C0035334, MeSH D012174, MONDO:0019200, OMIM 268000. Inheritance: Autosomal dominant, autosomal recessive and X linked inheritance.
Choroidal dystrophy, central areolar 2 (CACD2). Also called: MACULAR DYSTROPHY, PROGRESSIVE; Choriodal Dystrophy, Central Areolar 2. Identifiers: Orphanet 75377, MedGen C2751290, MONDO:0013137, OMIM 613105.
Pigmentary retinal dystrophy. Also called: Fundus albipunctatus. Identifiers: Orphanet 227796, Orphanet 52427, MedGen C0311338, MONDO:0007639, OMIM 136880, HP:0030642.
Cone-rod dystrophy. Also called: Cone/cone-rod dystrophy; Cone-rod degeneration. Identifiers: Orphanet 1872, MedGen C4085590, MONDO:0015993, HP:0000548.
Adult-onset foveomacular vitelliform dystrophy. Also called: FOVEOMACULAR DYSTROPHY, ADULT-ONSET, WITH OR WITHOUT CHOROIDAL NEOVASCULARIZATION; FOVEOMACULAR DYSTROPHY, ADULT-ONSET; Adult onset vitelliform dystrophy. Identifiers: Orphanet 99000, MedGen C1842914, MONDO:0011979.
PRPH2-related disorder. Also called: PRPH2-related disorders; PRPH2-related condition. Identifiers: MedGen CN239395.

Allele frequency attached by ClinVar (database versions not stated): TOPMed below 0.00001.

Submissions (7):

Labcorp Genetics (formerly Invitae), Labcorp
Classification: Uncertain significance for PRPH2-related disorder. Last evaluated: 2022-02-20. Review status: criteria provided, single submitter. Criteria: Invitae Variant Classification Sherloc (09022015). Collection method: clinical testing. Allele origin: germline.
Comment: Advanced modeling of protein sequence and biophysical properties (such as structural, functional, and spatial information, amino acid conservation, physicochemical variation, residue mobility, and thermodynamic stability) performed at Invitae indicates that this missense variant is expected to disrupt PRPH2 protein function. ClinVar contains an entry for this variant (Variation ID: 356780). This variant has not been reported in the literature in individuals affected with PRPH2-related conditions. This variant is not present in population databases (gnomAD no frequency). This sequence change replaces glycine, which is neutral and non-polar, with valine, which is neutral and non-polar, at codon 31 of the PRPH2 protein (p.Gly31Val). In summary, the available evidence is currently insufficient to determine the role of this variant in disease. Therefore, it has been classified as a Variant of Uncertain Significance.

Illumina Laboratory Services, Illumina
Classification: Uncertain significance for Choroidal dystrophy, central areolar 2. Last evaluated: 2018-01-12. Review status: criteria provided, single submitter. Criteria: ICSL Variant Classification Criteria 13 December 2019. Collection method: clinical testing. Allele origin: germline.

Illumina Laboratory Services, Illumina
Classification: Uncertain significance for Cone-rod dystrophy. Last evaluated: 2018-01-12. Review status: criteria provided, single submitter. Criteria: ICSL Variant Classification Criteria 13 December 2019. Collection method: clinical testing. Allele origin: germline.

Illumina Laboratory Services, Illumina
Classification: Uncertain significance for Patterned macular dystrophy 1. Last evaluated: 2018-01-12. Review status: criteria provided, single submitter. Criteria: ICSL Variant Classification Criteria 13 December 2019. Collection method: clinical testing. Allele origin: germline.

Illumina Laboratory Services, Illumina
Classification: Uncertain significance for Vitelliform macular dystrophy 3. Last evaluated: 2018-01-12. Review status: criteria provided, single submitter. Criteria: ICSL Variant Classification Criteria 13 December 2019. Collection method: clinical testing. Allele origin: germline.

Illumina Laboratory Services, Illumina
Classification: Uncertain significance for Pigmentary retinal dystrophy. Last evaluated: 2018-01-12. Review status: criteria provided, single submitter. Criteria: ICSL Variant Classification Criteria 13 December 2019. Collection method: clinical testing. Allele origin: germline.

Illumina Laboratory Services, Illumina
Classification: Uncertain significance for Retinitis pigmentosa. Last evaluated: 2018-01-12. Review status: criteria provided, single submitter. Criteria: ICSL Variant Classification Criteria 13 December 2019. Collection method: clinical testing. Allele origin: germline.

NM_000322.5(PRPH2):c.92G>T (p.Gly31Val)

Gene: PRPH2 (peripherin 2; minus strand). Cytogenetic location: 6p21.1.
Variant type: single nucleotide variant.
Coding change: c.92G>T on transcript NM_000322.5 (MANE Select); coding-DNA position 92, G replaced by T.
Protein change: p.Gly31Val; replaces glycine 31 with valine.
Molecular consequence: missense variant.
Genome position (GRCh38, 1-based): chr6:42,722,243, C>A on the plus strand (G>T on the coding strand, the complement: PRPH2 is on the minus strand). VCF-style: chr6-42722243-C-A. GRCh37 (hg19) VCF-style: chr6-42689981-C-A.
Other names: short protein forms G31V.
Identifiers: ClinVar variation 356780 (VCV000356780.10), dbSNP rs886061404, ClinGen allele CA10623961.